The following is an entry in ClinVar:

NM_000719.7(CACNA1C):c.2348G>A (p.Ser783Asn)

Gene: CACNA1C (calcium voltage-gated channel subunit alpha1 C; plus strand). Cytogenetic location: 12p13.33.
Variant type: single nucleotide variant.
Coding change: c.2348G>A on transcript NM_000719.7 (MANE Select); coding-DNA position 2348, G replaced by A.
Protein change: p.Ser783Asn; replaces serine 783 with asparagine.
Molecular consequence: missense variant.
Genome position (GRCh38, 1-based): chr12:2,585,384, G>A. VCF-style: chr12-2585384-G-A. GRCh37 (hg19) VCF-style: chr12-2694550-G-A.
Other names: c.2348G>A, p.Ser783Asn (NM_001129827.2, NM_001129829.2, NM_001129830.3 and 18 more transcripts); c.2339G>A, p.Ser780Asn (NM_001129844.2); short protein forms S780N, S783N.
Identifiers: ClinVar variation 2586961 (VCV002586961.2), dbSNP rs1160521285, ClinGen allele CA383371621.

ClinVar aggregate classification (germline): Uncertain significance (1 of 4 stars; one submission).

Conditions:
Cardiovascular phenotype. Identifiers: MedGen CN230736.

gnomAD v4.1: 4 of 1,612,638 alleles (0.00025%); highest among the groups gnomAD compares: South Asian, 0.0022%; no homozygotes.

Submission:

Ambry Genetics
Classification: Uncertain significance for Cardiovascular phenotype. Last evaluated: 2023-08-30. Review status: criteria provided, single submitter. Criteria: Ambry Variant Classification Scheme 2023. Collection method: clinical testing. Allele origin: germline.
Comment: The p.S783N variant (also known as c.2348G>A), located in coding exon 17 of the CACNA1C gene, results from a G to A substitution at nucleotide position 2348. The serine at codon 783 is replaced by asparagine, an amino acid with highly similar properties. This amino acid position is highly conserved in available vertebrate species. In addition, the in silico prediction for this alteration is inconclusive. Since supporting evidence is limited at this time, the clinical significance of this alteration remains unclear.